The following is an entry in ClinVar:

NM_000057.4(BLM):c.904C>T (p.Pro302Ser)

Gene: BLM (BLM RecQ like helicase; plus strand). Cytogenetic location: 15q26.1.
Variant type: single nucleotide variant.
Coding change: c.904C>T on transcript NM_000057.4 (MANE Select); coding-DNA position 904, C replaced by T.
Protein change: p.Pro302Ser; replaces proline 302 with serine.
Molecular consequence: missense variant. On other transcripts: 5 prime UTR variant (1).
Genome position (GRCh38, 1-based): chr15:90,751,891, C>T. VCF-style: chr15-90751891-C-T. GRCh37 (hg19) VCF-style: chr15-91295121-C-T.
Other names: c.904C>T, p.Pro302Ser (NM_001287246.2, NM_001287247.2); c.-388C>T (NM_001287248.2); short protein forms P302S.
Identifiers: ClinVar variation 3261017 (VCV003261017.1).

ClinVar aggregate classification (germline): Uncertain significance (1 of 4 stars; one submission).

Conditions:
Hereditary cancer-predisposing syndrome. Also called: Hereditary Cancer Syndrome; Tumor predisposition; Hereditary neoplastic syndrome; Neoplastic Syndromes, Hereditary. Identifiers: Orphanet 140162, MedGen C0027672, MeSH D009386, MONDO:0015356.

Submission:

Ambry Genetics
Classification: Uncertain significance for Hereditary cancer-predisposing syndrome. Last evaluated: 2024-03-29. Review status: criteria provided, single submitter. Criteria: Ambry Variant Classification Scheme 2023. Collection method: clinical testing. Allele origin: germline.
Comment: The p.P302S variant (also known as c.904C>T), located in coding exon 3 of the BLM gene, results from a C to T substitution at nucleotide position 904. The proline at codon 302 is replaced by serine, an amino acid with similar properties. This amino acid position is conserved. In addition, the in silico prediction for this alteration is inconclusive. Based on the available evidence, the clinical significance of this alteration remains unclear.